The following is an entry in ClinVar:

ClinVar aggregate classification (germline): not provided (0 of 4 stars; one submission).

Allele frequency attached by ClinVar (database versions not stated): gnomAD 0.00006; TOPMed 0.00007.
gnomAD v4.1: 14 of 152,130 alleles (0.0092%); highest among the groups gnomAD compares: East Asian, 0.019%; no homozygotes.

Submission:

Human Evolutionary Genetics, Institut Pasteur
No classification provided. Review status: no classification provided. Collection method: not provided. Allele origin: germline.
ClinVar note: Converted during submission from untested to not provided.

NM_001433705.1(NLRP5):c.469+253G>A

Gene: NLRP5 (NLR family pyrin domain containing 5; plus strand). Cytogenetic location: 19q13.43.
Variant type: single nucleotide variant.
Coding change: c.469+253G>A on transcript NM_001433705.1 (MANE Select); 253 bases into the intron after coding-DNA position 469, G replaced by A.
Molecular consequence: intron variant.
Genome position (GRCh38, 1-based): chr19:56,019,651, G>A. VCF-style: chr19-56019651-G-A. GRCh37 (hg19) VCF-style: chr19-56531017-G-A.
Other names: NM_153447.4:c.622+253G>A.
Identifiers: ClinVar variation 103297 (VCV000103297.2), dbSNP rs199475767, ClinGen allele CA230382.
Genomic context (GRCh38, chr19:56,019,651, plus strand): 5'-TATCTACAGTCAGATACTATGAAGACAAAATTCTAAAGAACCCATAATTCTAGGGGACTC[G>A]AATCAATCACAACTTTGTTTGATGGATGTTAAACATATGGCCAAGAGTAGTCAAATGCTG-3'